The following is an entry in ClinVar:

ClinVar aggregate classification (germline): Uncertain significance (1 of 4 stars; one submission).

Allele frequency attached by ClinVar (database versions not stated): ExAC 0.00001.
gnomAD v4.1: 1 of 1,589,048 alleles (0.000063%); highest among the groups gnomAD compares: Admixed American, 0.0017%; no homozygotes.

Submission:

Labcorp Genetics (formerly Invitae), Labcorp
Classification: Uncertain significance. Last evaluated: 2023-10-05. Review status: criteria provided, single submitter. Criteria: Invitae Variant Classification Sherloc (09022015). Collection method: clinical testing. Allele origin: germline.
Comment: This sequence change falls in intron 4 of the ABL1 gene. It does not directly change the encoded amino acid sequence of the ABL1 protein. It affects a nucleotide within the consensus splice site. This variant is present in population databases (rs758561469, gnomAD 0.003%). This variant has not been reported in the literature in individuals affected with ABL1-related conditions. Variants that disrupt the consensus splice site are a relatively common cause of aberrant splicing (PMID: 17576681, 9536098). Algorithms developed to predict the effect of sequence changes on RNA splicing suggest that this variant is not likely to affect RNA splicing. In summary, the available evidence is currently insufficient to determine the role of this variant in disease. Therefore, it has been classified as a Variant of Uncertain Significance.

Literature cited by the submitters: PubMed 17576681; PubMed 9536098.

NM_005157.6(ABL1):c.822+6C>G

Gene: ABL1 (ABL proto-oncogene 1, non-receptor tyrosine kinase; plus strand). Cytogenetic location: 9q34.12.
Variant type: single nucleotide variant.
Coding change: c.822+6C>G on transcript NM_005157.6 (MANE Select); 6 bases into the intron after coding-DNA position 822, C replaced by G.
Molecular consequence: intron variant.
Genome position (GRCh38, 1-based): chr9:130,863,041, C>G. VCF-style: chr9-130863041-C-G. GRCh37 (hg19) VCF-style: chr9-133738428-C-G.
Other names: c.879+6C>G (NM_007313.3).
Identifiers: ClinVar variation 2716106 (VCV002716106.3), dbSNP rs758561469, ClinGen allele CA5285286.